The following is an entry in ClinVar:

ClinVar aggregate classification (germline): Conflicting classifications of pathogenicity. Review status: criteria provided, conflicting classifications (1 of 4 stars). 2 submissions from 2 submitters: Pathogenic (1); Uncertain significance (1). Last evaluated 2024-11-11.

Submissions (2):

Labcorp Genetics (formerly Invitae), Labcorp
Classification: Pathogenic. Last evaluated: 2024-11-11. Review status: criteria provided, single submitter. Criteria: Invitae Variant Classification Sherloc (09022015). Collection method: clinical testing. Allele origin: germline.
Comment: This sequence change replaces proline, which is neutral and non-polar, with serine, which is neutral and polar, at codon 543 of the SNRNP200 protein (p.Pro543Ser). This variant is not present in population databases (gnomAD no frequency). This missense change has been observed in individuals with clinical features of autosomal dominant retinitis pigmentosa (PMID: 24265693; internal data). ClinVar contains an entry for this variant (Variation ID: 374531). Invitae Evidence Modeling of protein sequence and biophysical properties (such as structural, functional, and spatial information, amino acid conservation, physicochemical variation, residue mobility, and thermodynamic stability) indicates that this missense variant is expected to disrupt SNRNP200 protein function with a positive predictive value of 95%. For these reasons, this variant has been classified as Pathogenic.

CeGaT Center for Human Genetics Tuebingen
Classification: Uncertain significance. Last evaluated: 2016-07-01. Review status: criteria provided, single submitter. Criteria: CeGaT Center For Human Genetics Tuebingen Variant Classification Criteria Version 2. Collection method: clinical testing. Allele origin: germline. Affected: yes. Observed: 1 variant allele.

Literature cited by the submitters: PubMed 24265693 (cited by Labcorp Genetics (formerly Invitae), Labcorp).

NM_014014.5(SNRNP200):c.1627C>T (p.Pro543Ser)

Gene: SNRNP200 (small nuclear ribonucleoprotein U5 subunit 200; minus strand). Cytogenetic location: 2q11.2.
Variant type: single nucleotide variant.
Coding change: c.1627C>T on transcript NM_014014.5 (MANE Select); coding-DNA position 1627, C replaced by T.
Protein change: p.Pro543Ser; replaces proline 543 with serine.
Molecular consequence: missense variant.
Genome position (GRCh38, 1-based): chr2:96,296,580, G>A on the plus strand (C>T on the coding strand, the complement: SNRNP200 is on the minus strand). VCF-style: chr2-96296580-G-A. GRCh37 (hg19) VCF-style: chr2-96962318-G-A.
Other names: short protein forms P543S.
Identifiers: ClinVar variation 374531 (VCV000374531.50), dbSNP rs1057519143, ClinGen allele CA16043782.